The following is an entry in ClinVar:

ClinVar aggregate classification (germline): Uncertain significance (1 of 4 stars; one submission).

Submission:

Labcorp Genetics (formerly Invitae), Labcorp
Classification: Uncertain significance. Last evaluated: 2022-03-18. Review status: criteria provided, single submitter. Criteria: Invitae Variant Classification Sherloc (09022015). Collection method: clinical testing. Allele origin: germline.
Comment: A copy number gain of the genomic region encompassing the full coding sequence of the CHM gene has been identified. The boundaries of this event are unknown as they extend beyond the assayed region for this gene and therefore may encompass additional genes. As the precise location of this event is unknown, it may be in tandem or it may be located elsewhere in the genome. This variant has not been reported in the literature in individuals affected with CHM-related conditions. In summary, the available evidence is currently insufficient to determine the role of this variant in disease. Therefore, it has been classified as a Variant of Uncertain Significance.

NC_000023.10:g.(?_84600846)_(85302644_?)dup

Genes: CHM (CHM Rab escort protein; minus strand), POF1B (POF1B actin binding protein; minus strand). Cytogenetic location: Xq21.2.
Variant type: Duplication.
Identifiers: ClinVar variation 2423006 (VCV002423006.3).